The following is an entry in ClinVar:

ClinVar aggregate classification (germline): Uncertain significance. Review status: criteria provided, multiple submitters, no conflicts (2 of 4 stars). 4 submissions from 4 submitters: Uncertain significance (4). Last evaluated 2025-10-25.

Conditions:
XPR1-related primary familial brain calcification.
Basal ganglia calcification, idiopathic, 6 (PFBC6). Also called: PRIMARY FAMILIAL BRAIN CALCIFICATION 6, AUTOSOMAL DOMINANT. Identifiers: Orphanet 1980, MedGen C4225335, MONDO:0014628, OMIM 616413.

Allele frequency attached by ClinVar (database versions not stated): gnomAD exomes below 0.00001.
gnomAD v4.1: 4 of 1,614,172 alleles (0.00025%); highest among the groups gnomAD compares: Admixed American, 0.0017%; no homozygotes.

Submissions (4):

Labcorp Genetics (formerly Invitae), Labcorp
Classification: Uncertain significance. Last evaluated: 2025-10-25. Review status: criteria provided, single submitter. Criteria: Invitae Variant Classification Sherloc (09022015). Collection method: clinical testing. Allele origin: germline.
Comment: This sequence change replaces arginine, which is basic and polar, with glutamine, which is neutral and polar, at codon 604 of the XPR1 protein (p.Arg604Gln). This variant is not present in population databases (gnomAD no frequency). This missense change has been observed in individual(s) with XPR1-related conditions (PMID: 36344539). ClinVar contains an entry for this variant (Variation ID: 1199197). An algorithm developed to predict the effect of missense changes on protein structure and function (PolyPhen-2) suggests that this variant is likely to be disruptive. In summary, the available evidence is currently insufficient to determine the role of this variant in disease. Therefore, it has been classified as a Variant of Uncertain Significance.

Illumina Laboratory Services, Illumina
Classification: Uncertain significance for XPR1-related primary familial brain calcification. Last evaluated: 2021-03-24. Review status: criteria provided, single submitter. Criteria: ICSLVariantClassificationCriteria RUGD 01 April 2020. Collection method: clinical testing. Allele origin: unknown.
Comment: The XPR1 c.1811G>A (p.Arg604Gln) variant is a missense variant. A literature search was performed for the gene, cDNA change, and amino acid change. No publications were found based on this search. This variant is not found in the Genome Aggregation Database in a region of good sequence coverage, so the variant is presumed to be rare. Most in silico prediction tools suggest that the p.Arg604Gln variant has a damaging effect, but this has not been evaluated experimentally. Based on the limited evidence, the p.Arg604Gln variant is classified as a variant of uncertain significance for XPR1-related primary familial brain calcification.

Blueprint Genetics
Classification: Uncertain significance. Last evaluated: 2020-12-14. Review status: criteria provided, single submitter. Criteria: ACMG Guidelines, 2015. Collection method: clinical testing. Allele origin: germline.

Institute of Human Genetics, University Hospital of Duesseldorf
Classification: Uncertain significance for Basal ganglia calcification, idiopathic, 6. Review status: criteria provided, single submitter. Criteria: ACMG Guidelines, 2015. Collection method: not provided. Allele origin: germline. Inheritance: Unknown mechanism. Affected: yes.

Literature cited by the submitters: PubMed 36344539 (cited by Labcorp Genetics (formerly Invitae), Labcorp).

NM_004736.4(XPR1):c.1811G>A (p.Arg604Gln)

Gene: XPR1 (xenotropic and polytropic retrovirus receptor 1; plus strand). Cytogenetic location: 1q25.3.
Variant type: single nucleotide variant.
Coding change: c.1811G>A on transcript NM_004736.4 (MANE Select); coding-DNA position 1811, G replaced by A.
Protein change: p.Arg604Gln; replaces arginine 604 with glutamine.
Molecular consequence: missense variant. On other transcripts: non-coding transcript variant (1).
Genome position (GRCh38, 1-based): chr1:180,880,078, G>A. VCF-style: chr1-180880078-G-A. GRCh37 (hg19) VCF-style: chr1-180849214-G-A.
Other names: c.1616G>A, p.Arg539Gln (NM_001135669.2); short protein forms R539Q, R604Q.
Identifiers: ClinVar variation 1199197 (VCV001199197.7), dbSNP rs2102226595, ClinGen allele CA343597284.
Genomic context (GRCh38, chr1:180,880,078, plus strand): 5'-AGGTAGCAGAAGTATGTTACAATTTCATAAGTACTTTGATCTACCCCATTTTGCTAAGGC[G>A]ATTTGTGTGGAACTTCTTCCGCCTGGAGAATGAACATCTGAATAACTGTGGTGAATTCCG-3'
Protein context (NP_004727.2, residues 594-614): TVFAPLEVFR[Arg604Gln]FVWNFFRLEN